The following is an entry in ClinVar:

ClinVar aggregate classification (germline): Uncertain significance (1 of 4 stars; one submission).

Submission:

Labcorp Genetics (formerly Invitae), Labcorp
Classification: Uncertain significance. Last evaluated: 2022-02-08. Review status: criteria provided, single submitter. Criteria: Invitae Variant Classification Sherloc (09022015). Collection method: clinical testing. Allele origin: germline.
Comment: In summary, the available evidence is currently insufficient to determine the role of this variant in disease. Therefore, it has been classified as a Variant of Uncertain Significance. Algorithms developed to predict the effect of missense changes on protein structure and function are either unavailable or do not agree on the potential impact of this missense change (SIFT: "Deleterious"; PolyPhen-2: "Benign"; Align-GVGD: "Class C15"). This variant has not been reported in the literature in individuals affected with ASPM-related conditions. This variant is not present in population databases (gnomAD no frequency). This sequence change replaces serine, which is neutral and polar, with cysteine, which is neutral and slightly polar, at codon 1850 of the ASPM protein (p.Ser1850Cys).

NM_018136.5(ASPM):c.5549C>G (p.Ser1850Cys)

Gene: ASPM (assembly factor for spindle microtubules; minus strand). Cytogenetic location: 1q31.3.
Variant type: single nucleotide variant.
Coding change: c.5549C>G on transcript NM_018136.5 (MANE Select); coding-DNA position 5549, C replaced by G.
Protein change: p.Ser1850Cys; replaces serine 1850 with cysteine.
Molecular consequence: missense variant. On other transcripts: intron variant (1).
Genome position (GRCh38, 1-based): chr1:197,103,702, G>C on the plus strand (C>G on the coding strand, the complement: ASPM is on the minus strand). VCF-style: chr1-197103702-G-C. GRCh37 (hg19) VCF-style: chr1-197072832-G-C.
Other names: c.4066-7538C>G (NM_001206846.2); short protein forms S1850C.
Identifiers: ClinVar variation 2095159 (VCV002095159.4), dbSNP rs2527301155, ClinGen allele CA344026323.